The following is an entry in ClinVar:

NM_002439.5(MSH3):c.3088A>G (p.Met1030Val)

Gene: MSH3 (mutS homolog 3; plus strand). Cytogenetic location: 5q14.1.
Variant type: single nucleotide variant.
Coding change: c.3088A>G on transcript NM_002439.5 (MANE Select); coding-DNA position 3088, A replaced by G.
Protein change: p.Met1030Val; replaces methionine 1030 with valine.
Molecular consequence: missense variant.
Genome position (GRCh38, 1-based): chr5:80,864,900, A>G. VCF-style: chr5-80864900-A-G. GRCh37 (hg19) VCF-style: chr5-80160719-A-G.
Other names: c.3088A>G (NM_002439.3); short protein forms M1030V.
Identifiers: ClinVar variation 966917 (VCV000966917.10), dbSNP rs1746074529, ClinGen allele CA360346369.
Genomic context (GRCh38, chr5:80,864,900, plus strand): 5'-CATTATCCGCCAGTTTGTGAACTAGAAAAAAATTACTCACACCAGGTGGGGAATTACCAC[A>G]TGGGATTCTTGGTCAGTGAGGATGAAAGCAAACTGGATCCAGGTATGAAATATTCCTGCA-3'
Protein context (NP_002430.3, residues 1020-1040): NYSHQVGNYH[Met1030Val]GFLVSEDESK

ClinVar aggregate classification (germline): Uncertain significance. Review status: criteria provided, multiple submitters, no conflicts (2 of 4 stars). 2 submissions from 2 submitters: Uncertain significance (2). Last evaluated 2023-12-23.

Conditions:
Hereditary cancer-predisposing syndrome. Also called: Hereditary neoplastic syndrome; Neoplastic Syndromes, Hereditary; Hereditary Cancer Syndrome; Tumor predisposition. Identifiers: Orphanet 140162, MedGen C0027672, MeSH D009386, MONDO:0015356.

Submissions (2):

Ambry Genetics
Classification: Uncertain significance for Hereditary cancer-predisposing syndrome. Last evaluated: 2023-12-23. Review status: criteria provided, single submitter. Criteria: Ambry Variant Classification Scheme 2023. Collection method: clinical testing. Allele origin: germline.
Comment: The p.M1030V variant (also known as c.3088A>G), located in coding exon 22 of the MSH3 gene, results from an A to G substitution at nucleotide position 3088. The methionine at codon 1030 is replaced by valine, an amino acid with highly similar properties. This amino acid position is conserved. In addition, the in silico prediction for this alteration is inconclusive. Since supporting evidence is limited at this time, the clinical significance of this alteration remains unclear.

Labcorp Genetics (formerly Invitae), Labcorp
Classification: Uncertain significance. Last evaluated: 2019-10-02. Review status: criteria provided, single submitter. Criteria: Invitae Variant Classification Sherloc (09022015). Collection method: clinical testing. Allele origin: germline.
Comment: This sequence change replaces methionine with valine at codon 1030 of the MSH3 protein (p.Met1030Val). The methionine residue is moderately conserved and there is a small physicochemical difference between methionine and valine. This variant is not present in population databases (ExAC no frequency). This variant has not been reported in the literature in individuals with MSH3-related conditions. Algorithms developed to predict the effect of missense changes on protein structure and function are either unavailable or do not agree on the potential impact of this missense change (SIFT: "Deleterious"; PolyPhen-2: "Probably Damaging"; Align-GVGD: "Class C0"). In summary, the available evidence is currently insufficient to determine the role of this variant in disease. Therefore, it has been classified as a Variant of Uncertain Significance.